The following is an entry in ClinVar:

NM_001290024.2(IL12RB1):c.12-6T>C

Genes: IL12RB1 (interleukin 12 receptor subunit beta 1; minus strand), LOC130063972 (ATAC-STARR-seq lymphoblastoid active region 14295; plus strand). Cytogenetic location: 19p13.11.
Variant type: single nucleotide variant.
Coding change: c.12-6T>C on transcript NM_001290024.2; 6 bases into the intron before coding-DNA position 12, T replaced by C.
Molecular consequence: intron variant.
Genome position (GRCh38, 1-based): chr19:18,086,938, A>G on the plus strand (T>C on the coding strand, the complement: IL12RB1 is on the minus strand). VCF-style: chr19-18086938-A-G. GRCh37 (hg19) VCF-style: chr19-18197748-A-G.
Other names: c.12-6T>C (NM_001440427.1, NM_001440426.1).
Identifiers: ClinVar variation 3043577 (VCV003043577.2), dbSNP rs559280430, ClinGen allele CA9305432.

ClinVar aggregate classification (germline): Benign (0 of 4 stars; one submission).

Conditions:
IL12RB1-related disorder. Also called: IL12RB1-related condition.

Allele frequency attached by ClinVar (database versions not stated): TOPMed 0.00028; 1000 Genomes Project 30x 0.00406; ExAC 0.01177; gnomAD exomes 0.00131; 1000 Genomes Project 0.00459; gnomAD 0.00086.
gnomAD v4.1: 1,990 of 1,546,034 alleles (0.13%); highest among the groups gnomAD compares: South Asian, 2%; 40 homozygotes.

Submission:

PreventionGenetics, part of Exact Sciences
Classification: Benign for IL12RB1-related condition. Last evaluated: 2019-07-02. Review status: no assertion criteria provided. Collection method: clinical testing. Allele origin: germline.
Comment: This variant is classified as benign based on ACMG/AMP sequence variant interpretation guidelines (Richards et al. 2015 PMID: 25741868, with internal and published modifications).